The following is an entry in ClinVar:

ClinVar aggregate classification (germline): Benign/Likely benign. Review status: criteria provided, multiple submitters, no conflicts (2 of 4 stars). 3 submissions from 3 submitters: Benign (1); Likely benign (1). 1 of the submissions does not count toward it. Last evaluated 2025-08-12.

Conditions:
MACF1-related disorder. Also called: MACF1-related condition.

Allele frequency attached by ClinVar (database versions not stated): ExAC 0.00013; 1000 Genomes Project 0.00020; ESP Exome Variant Server 0.00038; TOPMed 0.00047; gnomAD 0.00052; 1000 Genomes Project 30x 0.00062.
gnomAD v4.1: 120 of 1,614,146 alleles (0.0074%); highest among the groups gnomAD compares: African/African-American, 0.14%; no homozygotes.

Submissions (3):

Labcorp Genetics (formerly Invitae), Labcorp
Classification: Benign. Last evaluated: 2025-08-12. Review status: criteria provided, single submitter. Criteria: Invitae Variant Classification Sherloc (09022015). Collection method: clinical testing. Allele origin: germline.

Blueprint Genetics
Classification: Likely benign. Last evaluated: 2024-06-28. Review status: criteria provided, single submitter. Criteria: ACMG Guidelines, 2015. Collection method: clinical testing. Allele origin: germline.

PreventionGenetics, part of Exact Sciences
Classification: Likely benign for MACF1-related condition. Last evaluated: 2022-08-11. Review status: no assertion criteria provided. Collection method: clinical testing. Allele origin: germline. Not counted in ClinVar's aggregate classification.
Comment: This variant is classified as likely benign based on ACMG/AMP sequence variant interpretation guidelines (Richards et al. 2015 PMID: 25741868, with internal and published modifications).

NM_001394062.1(MACF1):c.2754C>G (p.Pro918=)

Gene: MACF1 (microtubule actin crosslinking factor 1; plus strand). Cytogenetic location: 1p34.3.
Variant type: single nucleotide variant.
Coding change: c.2754C>G on transcript NM_001394062.1 (MANE Select); coding-DNA position 2754, C replaced by G.
Protein change: p.Pro918=; no amino-acid change (proline 918 retained).
Molecular consequence: synonymous variant.
Genome position (GRCh38, 1-based): chr1:39,303,043, C>G. VCF-style: chr1-39303043-C-G. GRCh37 (hg19) VCF-style: chr1-39768715-C-G.
Other names: c.2769C>G, p.Pro923= (NM_012090.5).
Identifiers: ClinVar variation 2712840 (VCV002712840.6), dbSNP rs139266313, ClinGen allele CA779797.